The following is an entry in ClinVar:

NM_032043.3(BRIP1):c.735A>C (p.Lys245Asn)

Gene: BRIP1 (BRCA1 interacting DNA helicase 1; minus strand). Cytogenetic location: 17q23.2.
Variant type: single nucleotide variant.
Coding change: c.735A>C on transcript NM_032043.3 (MANE Select); coding-DNA position 735, A replaced by C.
Protein change: p.Lys245Asn; replaces lysine 245 with asparagine.
Molecular consequence: missense variant.
Genome position (GRCh38, 1-based): chr17:61,808,650, T>G on the plus strand (A>C on the coding strand, the complement: BRIP1 is on the minus strand). VCF-style: chr17-61808650-T-G. GRCh37 (hg19) VCF-style: chr17-59886011-T-G.
Other names: short protein forms K245N.
Identifiers: ClinVar variation 1995422 (VCV001995422.4), dbSNP rs2145419080, ClinGen allele CA400485023.

ClinVar aggregate classification (germline): Uncertain significance (1 of 4 stars; one submission).

Conditions:
Familial cancer of breast. Also called: BREAST CANCER, FAMILIAL; Hereditary breast cancer; hereditary breast carcinoma. Identifiers: Orphanet 227535, MedGen C0346153, MONDO:0016419, OMIM 114480. Disease mechanism: loss of function.
Fanconi anemia complementation group J. Also called: BRIP1-Related Fanconi Anemia. Identifiers: Orphanet 84, MedGen C1836860, MONDO:0012187, OMIM 609054.

Allele frequency attached by ClinVar (database versions not stated): gnomAD exomes below 0.00001.
gnomAD v4.1: 1 of 1,613,982 alleles (0.000062%); highest among the groups gnomAD compares: South Asian, 0.0011%; no homozygotes.

Submission:

Labcorp Genetics (formerly Invitae), Labcorp
Classification: Uncertain significance for Familial cancer of breast; Fanconi anemia complementation group J. Last evaluated: 2026-01-04. Review status: criteria provided, single submitter. Criteria: Invitae Variant Classification Sherloc (09022015). Collection method: clinical testing. Allele origin: germline.
Comment: This sequence change replaces lysine, which is basic and polar, with asparagine, which is neutral and polar, at codon 245 of the BRIP1 protein (p.Lys245Asn). This variant is not present in population databases (gnomAD no frequency). This variant has not been reported in the literature in individuals affected with BRIP1-related conditions. ClinVar contains an entry for this variant (Variation ID: 1995422). Invitae Evidence Modeling of protein sequence and biophysical properties (such as structural, functional, and spatial information, amino acid conservation, physicochemical variation, residue mobility, and thermodynamic stability) has been performed for this missense variant. However, the output from this modeling did not meet the statistical confidence thresholds required to predict the impact of this variant on BRIP1 protein function. In summary, the available evidence is currently insufficient to determine the role of this variant in disease. Therefore, it has been classified as a Variant of Uncertain Significance.